The following is an entry in ClinVar:

NC_012920.1(MT-ND1):m.4142G>A

Gene: MT-ND1 (mitochondrially encoded NADH dehydrogenase 1; plus strand).
Variant type: single nucleotide variant.
Genome position: chrM-4142-G-A.
Identifiers: ClinVar variation 692427 (VCV000692427.2), dbSNP rs1603219317, ClinGen allele CA414774272.
Genomic context (GRCh38, chrMT:4,142, plus strand): 5'-TTGTCACCAAGACCCTACTTCTAACCTCCCTGTTCTTATGAATTCGAACAGCATACCCCC[G>A]ATTCCGCTACGACCAACTCATACACCTCCTATGAAAAAACTTCCTACCACTCACCCTAGC-3'

ClinVar aggregate classification (germline): Uncertain significance. Review status: reviewed by expert panel (3 of 4 stars). 2 submissions from 2 submitters: Uncertain significance (1). 1 of the submissions does not count toward it. Last evaluated 2024-09-24.

Conditions:
Mitochondrial disease. Also called: Mitochondrial disorder; Mitochondrial disorders. Identifiers: Orphanet 68380, MedGen C0751651, MeSH D028361, MONDO:0044970.
MELAS syndrome (MELAS). Also called: Juvenile myopathy, encephalopathy, lactic acidosis, stroke. Identifiers: Orphanet 550, MedGen C0162671, MONDO:0010789, OMIM 540000.

Submissions (2):

ClinGen Mitochondrial Disease Nuclear and Mitochondrial  Variant Curation Expert Panel, ClinGen
Classification: Uncertain significance for Mitochondrial disease. Last evaluated: 2024-09-24. Review status: reviewed by expert panel. Criteria: clingen mito disease acmg specifications v1-1. Collection method: curation. Allele origin: germline. Inheritance: Mitochondrial inheritance.
Comment: The m.4142G>A (p.Arg279Gln) variant in MT-ND1 has been reported in three individuals with primary mitochondrial disease (PMIDs: 32652755, 23463613). The first reported individual had developmental delay, seizures, and hypotonia. The variant was present at 68.7% in blood and 85.7% in muscle (PMID: 23463613). The variant was not detected in the asymptomatic mother’s blood. Another reported individual had developmental delay, hypotonia, stroke, seizures, macrocephaly, and elevated lactate on brain magnetic resonance spectroscopy (MRS). The variant was present at 80% in muscle (PMID: 32652755). The variant was not detected in the asymptomatic matrilineal relatives, although tissue was not specified. The third reported case had epilepsy and stroke. The variant was present at 31% in blood and 65.3% in muscle (PMID: 32652755). The variant was not detected in the mother or maternal aunt however tissue was not specified (PM6, PMID: 32652755). This variant is absent in the GenBank dataset, Helix dataset, and gnomAD v3.1.2 (PM2_supporting). The computational predictor APOGEE1 gives a consensus rating of pathogenic with a score of 0.74 (Min=0, Max=1), which predicts a damaging effect on gene function, and APOGEE2 similarly predicts this variant is pathogenic with a score of 0.972 (PP3). In summary, this variant meets criteria to be classified as uncertain significance for primary mitochondrial disease inherited in a mitochondrial manner. This classification was approved by the NICHD/NINDS U24 ClinGen Mitochondrial Disease Variant Curation Expert Panel on September 24, 2024. Mitochondrial DNA-specific ACMG/AMP criteria applied (PMID: 32906214): PM6, PM2_supporting, PP3.

Wong Mito Lab, Molecular and Human Genetics, Baylor College of Medicine
Classification: Likely pathogenic for MELAS syndrome. Last evaluated: 2019-10-17. Review status: criteria provided, single submitter. Criteria: Modified ACMG Guidelines (Unpublished). Collection method: clinical testing. Allele origin: germline. Not counted in ClinVar's aggregate classification.
Comment: The NC_012920.1:m.4142G>A (YP_003024026.1:p.Arg279Gln) variant in MTND1 gene is interpretated to be a Likely Pathogenic variant based on the modified ACMG guidelines (unpublished). This variant meets the following evidence codes: PM2, PM9, PP4, PP6